The following is an entry in ClinVar:

NM_001843.4(CNTN1):c.2632_2636del (p.Phe878fs)

Gene: CNTN1 (contactin 1; plus strand). Cytogenetic location: 12q12.
Variant type: Deletion.
Coding change: c.2632_2636del on transcript NM_001843.4 (MANE Select); coding-DNA positions 2632 to 2636, 5 bases deleted (TTTAT; older notation c.2632_2636delTTTAT).
Protein change: p.Phe878fs; shifts the reading frame from phenylalanine 878.
Molecular consequence: frameshift variant.
Genome position (GRCh38, 1-based): chr12:41,025,258-41,025,262, TTTAT deleted; deleting any 5 consecutive bases within chr12:41,025,255-41,025,262 gives the same sequence; the c. name uses the placement nearest the transcript's 3' end. VCF-style (leftmost placement, unchanged base first): chr12-41025254-GTATTT-G. GRCh37 (hg19) VCF-style: chr12-41419056-GTATTT-G.
Other names: c.2599_2603del, p.Phe867fs (NM_175038.2); short protein forms F867fs, F878fs.
Identifiers: ClinVar variation 1455215 (VCV001455215.6), dbSNP rs2120819481, ClinGen allele CA2573148540.

ClinVar aggregate classification (germline): Pathogenic (1 of 4 stars; one submission).

Conditions:
Compton-North congenital myopathy (CMYO12). Identifiers: Orphanet 210163, MedGen C2675527, MONDO:0012929, OMIM 612540.

Submission:

Labcorp Genetics (formerly Invitae), Labcorp
Classification: Pathogenic for Compton-North congenital myopathy. Last evaluated: 2021-10-07. Review status: criteria provided, single submitter. Criteria: Invitae Variant Classification Sherloc (09022015). Collection method: clinical testing. Allele origin: germline.
Comment: This variant is not present in population databases (ExAC no frequency). This sequence change creates a premature translational stop signal (p.Phe878Argfs*7) in the CNTN1 gene. It is expected to result in an absent or disrupted protein product. Loss-of-function variants in CNTN1 are known to be pathogenic (PMID: 19026398, 22242131). This variant has not been reported in the literature in individuals affected with CNTN1-related conditions. For these reasons, this variant has been classified as Pathogenic.

Literature cited by the submitters: PubMed 19026398; PubMed 22242131.